The following is an entry in ClinVar:

NM_004736.4(XPR1):c.178C>T (p.Gln60Ter)

Gene: XPR1 (xenotropic and polytropic retrovirus receptor 1; plus strand). Cytogenetic location: 1q25.3.
Variant type: single nucleotide variant.
Coding change: c.178C>T on transcript NM_004736.4 (MANE Select); coding-DNA position 178, C replaced by T.
Protein change: p.Gln60Ter; replaces glutamine 60 with a stop codon.
Molecular consequence: nonsense. On other transcripts: non-coding transcript variant (1).
Genome position (GRCh38, 1-based): chr1:180,787,809, C>T. VCF-style: chr1-180787809-C-T. GRCh37 (hg19) VCF-style: chr1-180756945-C-T.
Other names: c.178C>T, p.Gln60Ter (NM_001135669.2, NM_001328662.2); short protein forms Q60*.
Identifiers: ClinVar variation 4072723 (VCV004072723.1).

ClinVar aggregate classification (germline): Uncertain significance (1 of 4 stars; one submission).

Submission:

GeneDx
Classification: Uncertain significance. Last evaluated: 2025-01-30. Review status: criteria provided, single submitter. Criteria: GeneDx Variant Classification Process June 2021. Collection method: clinical testing. Allele origin: germline. Affected: yes.
Comment: Not observed at significant frequency in large population cohorts (gnomAD); Nonsense variant predicted to result in protein truncation or nonsense mediated decay in a gene or region of a gene for which loss of function is not a well-established mechanism of disease; Has not been previously published as pathogenic or benign to our knowledge